The following is an entry in ClinVar:

ClinVar aggregate classification (germline): Pathogenic (1 of 4 stars; one submission).

Conditions:
Hereditary diffuse gastric adenocarcinoma (HDGC). Also called: DIFFUSE GASTRIC AND LOBULAR BREAST CANCER SYNDROME. Identifiers: Orphanet 26106, MedGen C1708349, MONDO:0007648, OMIM 137215.

Submission:

Myriad Genetics, Inc.
Classification: Pathogenic for Hereditary diffuse gastric adenocarcinoma. Last evaluated: 2026-03-03. Review status: criteria provided, single submitter. Criteria: Myriad Autosomal Dominant, Autosomal Recessive and X-Linked Classification Criteria (2023). Collection method: clinical testing. Allele origin: unknown.
Comment: This variant is considered pathogenic. This variant creates a termination codon and is predicted to result in premature protein truncation.

NM_001903.5(CTNNA1):c.1975G>T (p.Glu659Ter)

Gene: CTNNA1 (catenin alpha 1; plus strand). Cytogenetic location: 5q31.2.
Variant type: single nucleotide variant.
Coding change: c.1975G>T on transcript NM_001903.5 (MANE Select); coding-DNA position 1975, G replaced by T.
Protein change: p.Glu659Ter; replaces glutamic acid 659 with a stop codon.
Molecular consequence: nonsense.
Genome position (GRCh38, 1-based): chr5:138,929,321, G>T. VCF-style: chr5-138929321-G-T. GRCh37 (hg19) VCF-style: chr5-138265010-G-T.
Other names: c.865G>T, p.Glu289Ter (NM_001323992.1, NM_001323993.1, NM_001323994.1 and 17 more transcripts); c.1975G>T, p.Glu659Ter (NM_001290307.3, NM_001323982.2, NM_001323983.1 and 2 more transcripts); c.1666G>T, p.Glu556Ter (NM_001290309.3); c.1606G>T, p.Glu536Ter (NM_001290310.3); c.1882G>T, p.Glu628Ter (NM_001323986.2); c.526G>T, p.Glu176Ter (NM_001324006.1, NM_001324007.1, NM_001324008.1 and 2 more transcripts); c.772G>T, p.Glu258Ter (NM_001324011.1); c.622G>T, p.Glu208Ter (NM_001324012.1, NM_001324013.1); short protein forms E176*, E208*, E258*, E289*, E536*, E556*, E628*, E659*.
Identifiers: ClinVar variation 4856753 (VCV004856753.1).